The following is an entry in ClinVar:

ClinVar aggregate classification (germline): Uncertain significance (1 of 4 stars; one submission).

Conditions:
Hereditary cancer-predisposing syndrome. Also called: Neoplastic Syndromes, Hereditary; Tumor predisposition; Hereditary neoplastic syndrome; Hereditary Cancer Syndrome. Identifiers: Orphanet 140162, MedGen C0027672, MeSH D009386, MONDO:0015356.

Submission:

Ambry Genetics
Classification: Uncertain significance for Hereditary cancer-predisposing syndrome. Last evaluated: 2026-07-07. Review status: criteria provided, single submitter. Criteria: Ambry Variant Classification Scheme 2023. Collection method: clinical testing. Allele origin: germline.
Comment: The p.T274A variant (also known as c.820A>G), located in coding exon 5 of the PDGFRA gene, results from an A to G substitution at nucleotide position 820. The threonine at codon 274 is replaced by alanine, an amino acid with similar properties. This amino acid position is conserved. In addition, this alteration is predicted to be tolerated by in silico analysis. Based on the available evidence, the clinical significance of this variant remains unclear.

NM_006206.6(PDGFRA):c.820A>G (p.Thr274Ala)

Gene: PDGFRA (platelet derived growth factor receptor alpha; plus strand). Cytogenetic location: 4q12.
Variant type: single nucleotide variant.
Coding change: c.820A>G on transcript NM_006206.6 (MANE Select); coding-DNA position 820, A replaced by G.
Protein change: p.Thr274Ala; replaces threonine 274 with alanine.
Molecular consequence: missense variant.
Genome position (GRCh38, 1-based): chr4:54,267,349, A>G. VCF-style: chr4-54267349-A-G. GRCh37 (hg19) VCF-style: chr4-55133516-A-G.
Other names: c.820A>G, p.Thr274Ala (NM_001347829.2, NM_001347827.2); c.859A>G, p.Thr287Ala (NM_001347830.2); c.895A>G, p.Thr299Ala (NM_001347828.2); short protein forms T274A, T299A, T287A.
Identifiers: ClinVar variation 5026422 (VCV005026422.1).
Genomic context (GRCh38, chr4:54,267,349, plus strand): 5'-AAAGGCAAAGGCATCACAATGCTGGAAGAAATCAAAGTCCCATCCATCAAATTGGTGTAC[A>G]CTTTGACGGTCCCCGAGGCCACGGTGAAAGACAGTGGAGATTACGAATGTGCTGCCCGCC-3'
Protein context (NP_006197.1, residues 264-284): IKVPSIKLVY[Thr274Ala]LTVPEATVKD